The following is an entry in ClinVar:

NM_002474.3(MYH11):c.2049C>A (p.His683Gln)

Gene: MYH11 (myosin heavy chain 11; minus strand). Cytogenetic location: 16p13.11.
Variant type: single nucleotide variant.
Coding change: c.2049C>A on transcript NM_002474.3 (MANE Select); coding-DNA position 2049, C replaced by A.
Protein change: p.His683Gln; replaces histidine 683 with glutamine.
Molecular consequence: missense variant.
Genome position (GRCh38, 1-based): chr16:15,750,147, G>T on the plus strand (C>A on the coding strand, the complement: MYH11 is on the minus strand). VCF-style: chr16-15750147-G-T. GRCh37 (hg19) VCF-style: chr16-15844004-G-T.
Other names: c.2049C>A (NM_002474.2); c.2070C>A, p.His690Gln (NM_001040113.2, NM_001040114.2); c.2049C>A, p.His683Gln (NM_022844.3); short protein forms H690Q, H683Q.
Identifiers: ClinVar variation 405477 (VCV000405477.8), dbSNP rs150924100, ClinGen allele CA16614671.

ClinVar aggregate classification (germline): Uncertain significance. Review status: criteria provided, multiple submitters, no conflicts (2 of 4 stars). 2 submissions from 2 submitters: Uncertain significance (2). Last evaluated 2023-11-03.

Conditions:
Aortic aneurysm, familial thoracic 4 (AAT4). Also called: AORTIC ANEURYSM/AORTIC DISSECTION AND PATENT DUCTUS ARTERIOSUS. Identifiers: MedGen C1851504, MONDO:0007568, OMIM 132900.

Allele frequency attached by ClinVar (database versions not stated): TOPMed 0.00001.
gnomAD v4.1: 1 of 1,614,082 alleles (0.000062%); highest among the groups gnomAD compares: Non-Finnish European, 0.000085%; no homozygotes.

Submissions (2):

GeneDx
Classification: Uncertain significance. Last evaluated: 2023-11-03. Review status: criteria provided, single submitter. Criteria: GeneDx Variant Classification Process June 2021. Collection method: clinical testing. Allele origin: germline. Affected: yes.
Comment: Not observed at significant frequency in large population cohorts (gnomAD); In silico analysis supports that this missense variant has a deleterious effect on protein structure/function; Has not been previously published as pathogenic or benign to our knowledge

Labcorp Genetics (formerly Invitae), Labcorp
Classification: Uncertain significance for Aortic aneurysm, familial thoracic 4. Last evaluated: 2018-12-22. Review status: criteria provided, single submitter. Criteria: Invitae Variant Classification Sherloc (09022015). Collection method: clinical testing. Allele origin: germline.
Comment: In summary, this variant is a novel missense change with uncertain impact on protein function. It has been classified as a Variant of Uncertain Significance. Algorithms developed to predict the effect of missense changes on protein structure and function do not agree on the potential impact of this missense change (SIFT: "Deleterious"; PolyPhen-2: "Probably Damaging"; Align-GVGD: "Class C15"). This variant is not present in population databases (ExAC no frequency) and has not been reported in the literature in individuals with a MYH11-related disease. This sequence change replaces histidine with glutamine at codon 690 of the MYH11 protein (p.His690Gln). The histidine residue is highly conserved and there is a small physicochemical difference between histidine and glutamine.